The following is an entry in ClinVar:

NM_000540.3(RYR1):c.2376T>A (p.Leu792=)

Gene: RYR1 (ryanodine receptor 1; plus strand). Cytogenetic location: 19q13.2.
Variant type: single nucleotide variant.
Coding change: c.2376T>A on transcript NM_000540.3 (MANE Select); coding-DNA position 2376, T replaced by A.
Protein change: p.Leu792=; no amino-acid change (leucine 792 retained).
Molecular consequence: synonymous variant.
Genome position (GRCh38, 1-based): chr19:38,460,390, T>A. VCF-style: chr19-38460390-T-A. GRCh37 (hg19) VCF-style: chr19-38951030-T-A.
Other names: c.2376T>A, p.Leu792= (NM_001042723.2).
Identifiers: ClinVar variation 4759107 (VCV004759107.1).

ClinVar aggregate classification (germline): Uncertain significance (1 of 4 stars; one submission).

Conditions:
Malignant hyperthermia, susceptibility to, 1 (MHS1). Also called: RYR1-Related Malignant Hyperthermia Susceptibility; Malignant hyperthermia suceptibility 1; Anesthesia related hyperthermia; Malignant hyperpyrexia; Fulminating hyperpyrexia; Pharmacogenic myopathy. Identifiers: Orphanet 423, MedGen C2930980, MONDO:0007783, OMIM 145600.

Submission:

Color Diagnostics, LLC DBA Color Health
Classification: Uncertain significance for Malignant hyperthermia, susceptibility to, 1. Last evaluated: 2025-07-31. Review status: criteria provided, single submitter. Criteria: ACMG Guidelines, 2015. Collection method: clinical testing. Allele origin: germline.
Comment: This variant is located in the RYR1 protein. To our knowledge, functional studies have not been reported for this variant. This variant has not been reported in individuals affected with RYR1-related disorders in the literature. This variant has not been identified in the general population by the Genome Aggregation Database (gnomAD). The available evidence is insufficient to determine the role of this variant in disease conclusively. Therefore, this variant is classified as a Variant of Uncertain Significance.